The following is an entry in ClinVar:

ClinVar aggregate classification (germline): Uncertain significance (1 of 4 stars; one submission).

Conditions:
Cardiovascular phenotype. Identifiers: MedGen CN230736.

Submission:

Ambry Genetics
Classification: Uncertain significance for Cardiovascular phenotype. Last evaluated: 2026-01-22. Review status: criteria provided, single submitter. Criteria: Ambry Variant Classification Scheme 2023. Collection method: clinical testing. Allele origin: germline.
Comment: The p.T2339P variant (also known as c.7015A>C), located in coding exon 8 of the ALMS1 gene, results from an A to C substitution at nucleotide position 7015. The threonine at codon 2339 is replaced by proline, an amino acid with highly similar properties. This amino acid position is well conserved in available vertebrate species. In addition, the in silico prediction for this alteration is inconclusive. Based on the available evidence, the clinical significance of this variant remains unclear.

NM_001378454.1(ALMS1):c.7012A>C (p.Thr2338Pro)

Gene: ALMS1 (ALMS1 centrosome and basal body associated protein; plus strand). Cytogenetic location: 2p13.1.
Variant type: single nucleotide variant.
Coding change: c.7012A>C on transcript NM_001378454.1 (MANE Select); coding-DNA position 7012, A replaced by C.
Protein change: p.Thr2338Pro; replaces threonine 2338 with proline.
Molecular consequence: missense variant.
Genome position (GRCh38, 1-based): chr2:73,453,539, A>C. VCF-style: chr2-73453539-A-C. GRCh37 (hg19) VCF-style: chr2-73680666-A-C.
Other names: c.7015A>C, p.Thr2339Pro (NM_015120.4); short protein forms T2338P, T2339P.
Identifiers: ClinVar variation 4824758 (VCV004824758.1).
Genomic context (GRCh38, chr2:73,453,539, plus strand): 5'-CACAGACAGCCATTCACAGAGGAAAGCCCAAGCAGCAGGTGCATACAGAAGGATATTGGC[A>C]CACAGACGAATTTGAAATGCCGGAGAGGCATTGAAAATTGGGAGTTTATTAGTTCAACTA-3'
Protein context (NP_001365383.1, residues 2328-2348): SSRCIQKDIG[Thr2338Pro]QTNLKCRRGI